The following is an entry in ClinVar:

ClinVar aggregate classification (germline): Uncertain significance (1 of 4 stars; one submission).

gnomAD v4.1: 2 of 1,614,214 alleles (0.00012%); highest among the groups gnomAD compares: East Asian, 0.0045%; no homozygotes.

Submission:

Labcorp Genetics (formerly Invitae), Labcorp
Classification: Uncertain significance. Last evaluated: 2025-05-19. Review status: criteria provided, single submitter. Criteria: Invitae Variant Classification Sherloc (09022015). Collection method: clinical testing. Allele origin: germline.
Comment: This sequence change replaces tyrosine, which is neutral and polar, with cysteine, which is neutral and slightly polar, at codon 276 of the OAS1 protein (p.Tyr276Cys). This variant is present in population databases (rs149556785, gnomAD 0.0009%). This variant has not been reported in the literature in individuals affected with OAS1-related conditions. An algorithm developed to predict the effect of missense changes on protein structure and function (PolyPhen-2) suggests that this variant is likely to be disruptive. In summary, the available evidence is currently insufficient to determine the role of this variant in disease. Therefore, it has been classified as a Variant of Uncertain Significance.

NM_016816.4(OAS1):c.827A>G (p.Tyr276Cys)

Gene: OAS1 (2'-5'-oligoadenylate synthetase 1; plus strand). Cytogenetic location: 12q24.13.
Variant type: single nucleotide variant.
Coding change: c.827A>G on transcript NM_016816.4 (MANE Select); coding-DNA position 827, A replaced by G.
Protein change: p.Tyr276Cys; replaces tyrosine 276 with cysteine.
Molecular consequence: missense variant. On other transcripts: non-coding transcript variant (9).
Genome position (GRCh38, 1-based): chr12:112,916,681, A>G. VCF-style: chr12-112916681-A-G. GRCh37 (hg19) VCF-style: chr12-113354486-A-G.
Other names: c.827A>G, p.Tyr276Cys (NM_001032409.3, NM_001320151.2, NM_001406022.1 and 1 more transcripts); c.803A>G, p.Tyr268Cys (NM_001406020.1, NM_001406021.1, NM_001406023.1 and 2 more transcripts); c.353A>G, p.Tyr118Cys (NM_001406026.1, NM_001406027.1, NM_001406029.1 and 1 more transcripts); short protein forms Y118C, Y276C, Y268C.
Identifiers: ClinVar variation 4771768 (VCV004771768.1).